The following is an entry in ClinVar:

ClinVar aggregate classification (germline): Likely benign. Review status: criteria provided, multiple submitters, no conflicts (2 of 4 stars). 2 submissions from 2 submitters: Likely benign (2). Last evaluated 2022-08-16.

Conditions:
Koolen-de Vries syndrome (KDVS). Identifiers: Orphanet 96169, MedGen C1864871, MONDO:0012496, OMIM 610443.

Allele frequency attached by ClinVar (database versions not stated): ExAC 0.00003; TOPMed 0.00003.
gnomAD v4.1: 17 of 1,607,562 alleles (0.0011%); highest among the groups gnomAD compares: South Asian, 0.0077%; no homozygotes.

Submissions (2):

Labcorp Genetics (formerly Invitae), Labcorp
Classification: Likely benign for Koolen-de Vries syndrome. Last evaluated: 2022-08-16. Review status: criteria provided, single submitter. Criteria: Invitae Variant Classification Sherloc (09022015). Collection method: clinical testing. Allele origin: germline.

GeneDx
Classification: Likely benign. Last evaluated: 2017-01-18. Review status: criteria provided, single submitter. Criteria: GeneDx Variant Classification (06012015). Collection method: clinical testing. Allele origin: germline. Affected: yes.
Comment: This variant is considered likely benign or benign based on one or more of the following criteria: it is a conservative change, it occurs at a poorly conserved position in the protein, it is predicted to be benign by multiple in silico algorithms, and/or has population frequency not consistent with disease.

NM_015443.4(KANSL1):c.1269C>T (p.Pro423=)

Gene: KANSL1 (KAT8 regulatory NSL complex subunit 1). Cytogenetic location: 17q21.31.
Variant type: single nucleotide variant.
Coding change: c.1269C>T on transcript NM_015443.4 (MANE Select); coding-DNA position 1269, C replaced by T.
Protein change: p.Pro423=; no amino-acid change (proline 423 retained).
Molecular consequence: synonymous variant.
Genome position (GRCh38, 1-based): chr17:46,170,875, G>A on the plus strand (C>T on the coding strand, the complement: KANSL1 is on the minus strand). VCF-style: chr17-46170875-G-A. GRCh37 (hg19) VCF-style: chr17-44248241-G-A.
Other names: c.1269C>T, p.Pro423= (NM_001193465.2, NM_001193466.2, NM_001379198.1).
Identifiers: ClinVar variation 468392 (VCV000468392.9), dbSNP rs750165871, ClinGen allele CA8618869.